The following is an entry in ClinVar:

ClinVar aggregate classification (germline): Uncertain significance. Review status: criteria provided, multiple submitters, no conflicts (2 of 4 stars). 3 submissions from 3 submitters: Uncertain significance (3). Last evaluated 2024-03-06.

Conditions:
Familial adenomatous polyposis 2. Also called: COLORECTAL ADENOMATOUS POLYPOSIS, AUTOSOMAL RECESSIVE; ADENOMAS, MULTIPLE COLORECTAL, AUTOSOMAL RECESSIVE; MUTYH-associated polyposis; MUTYH-related attenuated familial adenomatous polyposis; MUTYH Polyposis; Adenomas, multiple colorectal. Identifiers: Orphanet 220460, Orphanet 247798, MedGen C3272841, MONDO:0012041, OMIM 608456.
Hereditary cancer-predisposing syndrome. Also called: Neoplastic Syndromes, Hereditary; Hereditary Cancer Syndrome; Tumor predisposition; Hereditary neoplastic syndrome. Identifiers: Orphanet 140162, MedGen C0027672, MeSH D009386, MONDO:0015356.

Allele frequency attached by ClinVar (database versions not stated): gnomAD exomes below 0.00001; TOPMed below 0.00001; gnomAD 0.00001.
gnomAD v4.1: 7 of 1,614,036 alleles (0.00043%); highest among the groups gnomAD compares: Non-Finnish European, 0.00059%; no homozygotes.

Submissions (3):

Color Diagnostics, LLC DBA Color Health
Classification: Uncertain significance for Hereditary cancer-predisposing syndrome. Last evaluated: 2024-03-06. Review status: criteria provided, single submitter. Criteria: ACMG Guidelines, 2015. Collection method: clinical testing. Allele origin: germline.
Comment: This missense variant replaces arginine with threonine at codon 368 of the MUTYH protein. Computational prediction suggests that this variant may have deleterious impact on protein structure and function (internally defined REVEL score threshold >= 0.7, PMID: 27666373). To our knowledge, functional studies have not been reported for this variant. This variant has not been reported in individuals affected with hereditary cancer in the literature. This variant has been identified in 1/31392 chromosomes in the general population by the Genome Aggregation Database (gnomAD). The available evidence is insufficient to determine the role of this variant in disease conclusively. Therefore, this variant is classified as a Variant of Uncertain Significance.

Ambry Genetics
Classification: Uncertain significance for Hereditary cancer-predisposing syndrome. Last evaluated: 2024-02-20. Review status: criteria provided, single submitter. Criteria: Ambry Variant Classification Scheme 2023. Collection method: clinical testing. Allele origin: germline.
Comment: The p.R368T variant (also known as c.1103G>C), located in coding exon 12 of the MUTYH gene, results from a G to C substitution at nucleotide position 1103. The arginine at codon 368 is replaced by threonine, an amino acid with similar properties. This amino acid position is highly conserved in available vertebrate species. In addition, this alteration is predicted to be deleterious by in silico analysis. Since supporting evidence is limited at this time, the clinical significance of this alteration remains unclear.

Labcorp Genetics (formerly Invitae), Labcorp
Classification: Uncertain significance for Familial adenomatous polyposis 2. Last evaluated: 2023-08-16. Review status: criteria provided, single submitter. Criteria: Invitae Variant Classification Sherloc (09022015). Collection method: clinical testing. Allele origin: germline.
Comment: This variant is present in population databases (no rsID available, gnomAD 0.007%). This sequence change replaces arginine, which is basic and polar, with threonine, which is neutral and polar, at codon 368 of the MUTYH protein (p.Arg368Thr). This variant has not been reported in the literature in individuals affected with MUTYH-related conditions. In summary, the available evidence is currently insufficient to determine the role of this variant in disease. Therefore, it has been classified as a Variant of Uncertain Significance. An algorithm developed to predict the effect of missense changes on protein structure and function (PolyPhen-2) suggests that this variant is likely to be disruptive. ClinVar contains an entry for this variant (Variation ID: 628055).

NM_001048174.2(MUTYH):c.1019G>C (p.Arg340Thr)

Gene: MUTYH (mutY DNA glycosylase; minus strand). Cytogenetic location: 1p34.1.
Variant type: single nucleotide variant.
Coding change: c.1019G>C on transcript NM_001048174.2 (MANE Select); coding-DNA position 1019, G replaced by C.
Protein change: p.Arg340Thr; replaces arginine 340 with threonine.
Molecular consequence: missense variant. On other transcripts: non-coding transcript variant (2).
Genome position (GRCh38, 1-based): chr1:45,331,744, C>G on the plus strand (G>C on the coding strand, the complement: MUTYH is on the minus strand). VCF-style: chr1-45331744-C-G. GRCh37 (hg19) VCF-style: chr1-45797416-C-G.
Other names: c.1019G>C, p.Arg340Thr (NM_001048171.2, NM_001048173.2, NM_001293195.2); c.1022G>C, p.Arg341Thr (NM_001048172.2); c.1103G>C, p.Arg368Thr (NM_001128425.2); c.1064G>C, p.Arg355Thr (NM_001293190.2); c.1052G>C, p.Arg351Thr (NM_001293191.2); c.743G>C, p.Arg248Thr (NM_001293192.2, NM_001293196.2); c.674G>C, p.Arg225Thr (NM_001350650.2, NM_001350651.2); c.1094G>C, p.Arg365Thr (NM_012222.3); short protein forms R368T, R355T, R248T, R341T, R351T, R225T, R340T, R365T.
Identifiers: ClinVar variation 628055 (VCV000628055.19), dbSNP rs1060501340, ClinGen allele CA340133560.
Genomic context (GRCh38, chr1:45,331,744, plus strand): 5'-AGAATTTGGGCCCCAAGGGCCCCAGGCTGTTCCAGAACACAGGTGGCAGAGCTCTCCTCC[C>G]TGGGGGGCTTGCGGCTGGCCTTTCTGGGGAAGTTGACCACTCCCAGGGTCTGGTCCCAGG-3'
Protein context (NP_001041639.1, residues 330-350): FPRKASRKPP[Arg340Thr]EESSATCVLE